The following is an entry in ClinVar:

NM_006415.4(SPTLC1):c.451C>A (p.Arg151Ser)

Gene: SPTLC1 (serine palmitoyltransferase long chain base subunit 1; minus strand). Cytogenetic location: 9q22.31.
Variant type: single nucleotide variant.
Coding change: c.451C>A on transcript NM_006415.4 (MANE Select); coding-DNA position 451, C replaced by A.
Protein change: p.Arg151Ser; replaces arginine 151 with serine.
Molecular consequence: missense variant. On other transcripts: 5 prime UTR variant (1).
Genome position (GRCh38, 1-based): chr9:92,068,075, G>T on the plus strand (C>A on the coding strand, the complement: SPTLC1 is on the minus strand). VCF-style: chr9-92068075-G-T. GRCh37 (hg19) VCF-style: chr9-94830357-G-T.
Other names: c.451C>A, p.Arg151Ser (NM_001281303.2); c.85C>A, p.Arg29Ser (NM_001368272.1); c.-15C>A (NM_001368273.1); short protein forms R29S, R151S.
Identifiers: ClinVar variation 3686455 (VCV003686455.2).

ClinVar aggregate classification (germline): Uncertain significance (1 of 4 stars; one submission).

Conditions:
Hereditary sensory and autonomic neuropathy type 1 (HSAN1). Also called: HSAN 1; HSN Type I; Hereditary Sensory Neuropathy Type I. Identifiers: Orphanet 36386, MedGen C0020071, MONDO:0018213.

gnomAD v4.1: 2 of 1,613,666 alleles (0.00012%); highest among the groups gnomAD compares: African/African-American, 0.0027%; no homozygotes.

Submission:

Labcorp Genetics (formerly Invitae), Labcorp
Classification: Uncertain significance for Hereditary sensory and autonomic neuropathy type 1. Last evaluated: 2024-09-21. Review status: criteria provided, single submitter. Criteria: Invitae Variant Classification Sherloc (09022015). Collection method: clinical testing. Allele origin: germline.
Comment: This sequence change replaces arginine, which is basic and polar, with serine, which is neutral and polar, at codon 151 of the SPTLC1 protein (p.Arg151Ser). This variant is present in population databases (no rsID available, gnomAD 0.01%). This variant has not been reported in the literature in individuals affected with SPTLC1-related conditions. Invitae Evidence Modeling of protein sequence and biophysical properties (such as structural, functional, and spatial information, amino acid conservation, physicochemical variation, residue mobility, and thermodynamic stability) indicates that this missense variant is not expected to disrupt SPTLC1 protein function with a negative predictive value of 80%. In summary, the available evidence is currently insufficient to determine the role of this variant in disease. Therefore, it has been classified as a Variant of Uncertain Significance.